The following is an entry in ClinVar:

NM_005159.5(ACTC1):c.394C>T (p.Pro132Ser)

Genes: ACTC1 (actin alpha cardiac muscle 1; minus strand), GJD2-DT (GJD2 divergent transcript; plus strand). Cytogenetic location: 15q14.
Variant type: single nucleotide variant.
Coding change: c.394C>T on transcript NM_005159.5 (MANE Select); coding-DNA position 394, C replaced by T.
Protein change: p.Pro132Ser; replaces proline 132 with serine.
Molecular consequence: missense variant. On other transcripts: synonymous variant (1).
Genome position (GRCh38, 1-based): chr15:34,793,305, G>A on the plus strand (C>T on the coding strand, the complement: ACTC1 is on the minus strand). VCF-style: chr15-34793305-G-A. GRCh37 (hg19) VCF-style: chr15-35085506-G-A.
Other names: c.394C>T, p.Pro132Ser (NM_001406483.1, NM_001406482.1); c.259C>T, p.Pro87Ser (NM_001406484.1); c.6C>T, p.Ser2= (NM_001406485.1); short protein forms P132S, P87S.
Identifiers: ClinVar variation 3257557 (VCV003257557.17).

ClinVar aggregate classification (germline): Uncertain significance (1 of 4 stars; one submission).

gnomAD v4.1: 2 of 1,614,142 alleles (0.00012%); highest among the groups gnomAD compares: Non-Finnish European, 0.000085%; no homozygotes.

Submission:

CeGaT Center for Human Genetics Tuebingen
Classification: Uncertain significance. Last evaluated: 2024-07-01. Review status: criteria provided, single submitter. Criteria: CeGaT Center For Human Genetics Tuebingen Variant Classification Criteria Version 2. Collection method: clinical testing. Allele origin: germline. Affected: yes. Observed: 1 variant allele.
Comment: ACTC1: PM2, PP2, PP3